The following is an entry in ClinVar:

NM_016065.4(MRPS16):c.55A>G (p.Ile19Val)

Genes: MRPS16 (mitochondrial ribosomal protein S16; minus strand), DNAJC9-AS1 (DNAJC9 and MRPS16 antisense RNA 1; plus strand). Cytogenetic location: 10q22.2.
Variant type: single nucleotide variant.
Coding change: c.55A>G on transcript NM_016065.4 (MANE Select); coding-DNA position 55, A replaced by G.
Protein change: p.Ile19Val; replaces isoleucine 19 with valine.
Molecular consequence: missense variant.
Genome position (GRCh38, 1-based): chr10:73,251,982, T>C on the plus strand (A>G on the coding strand, the complement: MRPS16 is on the minus strand). VCF-style: chr10-73251982-T-C. GRCh37 (hg19) VCF-style: chr10-75011740-T-C.
Other names: short protein forms I19V.
Identifiers: ClinVar variation 1392416 (VCV001392416.6), dbSNP rs2133443795, ClinGen allele CA377193432.

ClinVar aggregate classification (germline): Uncertain significance (1 of 4 stars; one submission).

Allele frequency attached by ClinVar (database versions not stated): gnomAD exomes below 0.00001.
gnomAD v4.1: 2 of 1,614,104 alleles (0.00012%); highest among the groups gnomAD compares: Non-Finnish European, 0.00017%; no homozygotes.

Submission:

Labcorp Genetics (formerly Invitae), Labcorp
Classification: Uncertain significance. Last evaluated: 2022-10-05. Review status: criteria provided, single submitter. Criteria: Invitae Variant Classification Sherloc (09022015). Collection method: clinical testing. Allele origin: germline.
Comment: This variant has not been reported in the literature in individuals affected with MRPS16-related conditions. In summary, the available evidence is currently insufficient to determine the role of this variant in disease. Therefore, it has been classified as a Variant of Uncertain Significance. Algorithms developed to predict the effect of missense changes on protein structure and function (SIFT, PolyPhen-2, Align-GVGD) all suggest that this variant is likely to be disruptive. ClinVar contains an entry for this variant (Variation ID: 1392416). This variant is not present in population databases (gnomAD no frequency). This sequence change replaces isoleucine, which is neutral and non-polar, with valine, which is neutral and non-polar, at codon 19 of the MRPS16 protein (p.Ile19Val).